The following is an entry in ClinVar:

NM_004006.3(DMD):c.9172C>T (p.Gln3058Ter)

Gene: DMD (dystrophin; minus strand). Cytogenetic location: Xp21.2.
Variant type: single nucleotide variant.
Coding change: c.9172C>T on transcript NM_004006.3 (MANE Select); coding-DNA position 9172, C replaced by T.
Protein change: p.Gln3058Ter; replaces glutamine 3058 with a stop codon.
Molecular consequence: nonsense.
Genome position (GRCh38, 1-based): chrX:31,323,650, G>A on the plus strand (C>T on the coding strand, the complement: DMD is on the minus strand). VCF-style: chrX-31323650-G-A. GRCh37 (hg19) VCF-style: chrX-31341767-G-A.
Other names: c.9148C>T, p.Gln3050Ter (NM_000109.4); c.9160C>T, p.Gln3054Ter (NM_004009.3); c.8803C>T, p.Gln2935Ter (NM_004010.3); c.5149C>T, p.Gln1717Ter (NM_004011.4); c.5140C>T, p.Gln1714Ter (NM_004012.4); c.1792C>T, p.Gln598Ter (NM_004013.3, NM_004020.4, NM_004021.3 and 2 more transcripts); c.985C>T, p.Gln329Ter (NM_004014.3); short protein forms Q1717*, Q2935*, Q3058*, Q329*, Q3054*, Q598*, Q1714*, Q3050*.
Identifiers: ClinVar variation 2818610 (VCV002818610.3), dbSNP rs2520422732, ClinGen allele CA412651744.

ClinVar aggregate classification (germline): Pathogenic (1 of 4 stars; one submission).

Conditions:
Duchenne muscular dystrophy (DMD). Also called: MUSCULAR DYSTROPHY, PSEUDOHYPERTROPHIC PROGRESSIVE, DUCHENNE TYPE; Duchenne Muscular Dystrophy (DMD). Identifiers: Orphanet 98896, MedGen C0013264, MONDO:0010679, OMIM 310200.

Submission:

Labcorp Genetics (formerly Invitae), Labcorp
Classification: Pathogenic for Duchenne muscular dystrophy. Last evaluated: 2023-02-17. Review status: criteria provided, single submitter. Criteria: Invitae Variant Classification Sherloc (09022015). Collection method: clinical testing. Allele origin: germline.
Comment: For these reasons, this variant has been classified as Pathogenic. This sequence change creates a premature translational stop signal (p.Gln3058*) in the DMD gene. It is expected to result in an absent or disrupted protein product. Loss-of-function variants in DMD are known to be pathogenic (PMID: 16770791, 25007885). This variant is not present in population databases (gnomAD no frequency). This variant has not been reported in the literature in individuals affected with DMD-related conditions.

Literature cited by the submitters: PubMed 16770791; PubMed 25007885.